The following is an entry in ClinVar:

ClinVar aggregate classification (germline): Uncertain significance (1 of 4 stars; one submission).

Allele frequency attached by ClinVar (database versions not stated): gnomAD exomes 0.00006; ExAC 0.00007; gnomAD 0.00007; TOPMed 0.00009; 1000 Genomes Project 30x 0.00016; 1000 Genomes Project 0.00020.
gnomAD v4.1: 100 of 1,613,562 alleles (0.0062%); highest among the groups gnomAD compares: Admixed American, 0.018%; no homozygotes.

Submission:

Labcorp Genetics (formerly Invitae), Labcorp
Classification: Uncertain significance. Last evaluated: 2025-08-12. Review status: criteria provided, single submitter. Criteria: Invitae Variant Classification Sherloc (09022015). Collection method: clinical testing. Allele origin: germline.
Comment: This sequence change replaces arginine, which is basic and polar, with histidine, which is basic and polar, at codon 2402 of the ACAN protein (p.Arg2402His). This variant is present in population databases (rs535702010, gnomAD 0.02%). This missense change has been observed in individual(s) with Ehlers-Danlos syndrome (PMID: 31829210). ClinVar contains an entry for this variant (Variation ID: 2074528). An algorithm developed to predict the effect of missense changes on protein structure and function (PolyPhen-2) suggests that this variant is likely to be disruptive. In summary, the available evidence is currently insufficient to determine the role of this variant in disease. Therefore, it has been classified as a Variant of Uncertain Significance.

Literature cited by the submitters: PubMed 31829210.

NM_001369268.1(ACAN):c.7319G>A (p.Arg2440His)

Gene: ACAN (aggrecan; plus strand). Cytogenetic location: 15q26.1.
Variant type: single nucleotide variant.
Coding change: c.7319G>A on transcript NM_001369268.1 (MANE Select); coding-DNA position 7319, G replaced by A.
Protein change: p.Arg2440His; replaces arginine 2440 with histidine.
Molecular consequence: missense variant.
Genome position (GRCh38, 1-based): chr15:88,872,897, G>A. VCF-style: chr15-88872897-G-A. GRCh37 (hg19) VCF-style: chr15-89416128-G-A.
Other names: c.7091G>A, p.Arg2364His (NM_001135.4, NM_001411096.1); c.7205G>A, p.Arg2402His (NM_001411097.1, NM_013227.4); short protein forms R2440H, R2364H, R2402H.
Identifiers: ClinVar variation 2074528 (VCV002074528.4), dbSNP rs535702010, ClinGen allele CA7720660.